The following is an entry in ClinVar:

NM_020207.7(ERCC6L2):c.1331T>C (p.Leu444Ser)

Gene: ERCC6L2 (ERCC excision repair 6 like 2; plus strand). Cytogenetic location: 9q22.32.
Variant type: single nucleotide variant.
Coding change: c.1331T>C on transcript NM_020207.7 (MANE Select); coding-DNA position 1331, T replaced by C.
Protein change: p.Leu444Ser; replaces leucine 444 with serine.
Molecular consequence: missense variant. On other transcripts: non-coding transcript variant (1).
Genome position (GRCh38, 1-based): chr9:95,922,336, T>C. VCF-style: chr9-95922336-T-C. GRCh37 (hg19) VCF-style: chr9-98684618-T-C.
Other names: c.1331T>C, p.Leu444Ser (NM_001010895.4, NM_001375291.1, NM_001375292.1 and 2 more transcripts); short protein forms L444S.
Identifiers: ClinVar variation 5036095 (VCV005036095.1).

ClinVar aggregate classification (germline): Uncertain significance (1 of 4 stars; one submission).

Conditions:
Inborn genetic diseases. Identifiers: MedGen C0950123, MeSH D030342.

Submission:

Ambry Genetics
Classification: Uncertain significance for Inborn genetic diseases. Last evaluated: 2026-08-08. Review status: criteria provided, single submitter. Criteria: Ambry Variant Classification Scheme 2023. Collection method: clinical testing. Allele origin: germline.
Comment: The p.L444S variant (also known as c.1331T>C), located in coding exon 8 of the ERCC6L2 gene, results from a T to C substitution at nucleotide position 1331. The leucine at codon 444 is replaced by serine, an amino acid with dissimilar properties. This amino acid position is conserved. In addition, this alteration is predicted to be deleterious by in silico analysis. Based on the available evidence, the clinical significance of this variant remains unclear.